The following is an entry in ClinVar:

ClinVar aggregate classification (germline): Likely pathogenic (1 of 4 stars; one submission).

Conditions:
Joubert syndrome. Also called: CEREBELLOPARENCHYMAL DISORDER IV; JOUBERT-BOLTSHAUSER SYNDROME; Familial aplasia of the vermis. Identifiers: Orphanet 475, MedGen C5979921, MONDO:0018772.

Submission:

Labcorp Genetics (formerly Invitae), Labcorp
Classification: Likely pathogenic for Joubert syndrome. Last evaluated: 2023-10-11. Review status: criteria provided, single submitter. Criteria: Invitae Variant Classification Sherloc (09022015). Collection method: clinical testing. Allele origin: germline.
Comment: This sequence change replaces lysine, which is basic and polar, with asparagine, which is neutral and polar, at codon 580 of the INPP5E protein (p.Lys580Asn). This variant is not present in population databases (gnomAD no frequency). This variant has not been reported in the literature in individuals affected with INPP5E-related conditions. Advanced modeling of protein sequence and biophysical properties (such as structural, functional, and spatial information, amino acid conservation, physicochemical variation, residue mobility, and thermodynamic stability) performed at Invitae indicates that this missense variant is expected to disrupt INPP5E protein function. This variant disrupts the p.Lys580 amino acid residue in INPP5E. Other variant(s) that disrupt this residue have been determined to be pathogenic (PMID: 19668216). This suggests that this residue is clinically significant, and that variants that disrupt this residue are likely to be disease-causing. In summary, the currently available evidence indicates that the variant is pathogenic, but additional data are needed to prove that conclusively. Therefore, this variant has been classified as Likely Pathogenic.

Literature cited by the submitters: PubMed 19668216.

NM_019892.6(INPP5E):c.1740G>C (p.Lys580Asn)

Gene: INPP5E (inositol polyphosphate-5-phosphatase E; minus strand). Cytogenetic location: 9q34.3.
Variant type: single nucleotide variant.
Coding change: c.1740G>C on transcript NM_019892.6 (MANE Select); coding-DNA position 1740, G replaced by C.
Protein change: p.Lys580Asn; replaces lysine 580 with asparagine.
Molecular consequence: missense variant.
Genome position (GRCh38, 1-based): chr9:136,430,339, C>G on the plus strand (G>C on the coding strand, the complement: INPP5E is on the minus strand). VCF-style: chr9-136430339-C-G. GRCh37 (hg19) VCF-style: chr9-139324791-C-G.
Other names: c.1737G>C, p.Lys579Asn (NM_001318502.2); short protein forms K580N, K579N.
Identifiers: ClinVar variation 2764906 (VCV002764906.3), dbSNP rs2538870842, ClinGen allele CA375561240.